The following is an entry in ClinVar:

ClinVar aggregate classification (germline): Uncertain significance (1 of 4 stars; one submission).

Allele frequency attached by ClinVar (database versions not stated): ExAC 0.00002.

Submission:

GeneDx
Classification: Uncertain significance. Last evaluated: 2022-05-25. Review status: criteria provided, single submitter. Criteria: GeneDx Variant Classification Process June 2021. Collection method: clinical testing. Allele origin: germline. Affected: yes.
Comment: Not observed at significant frequency in large population cohorts (gnomAD); In silico analysis supports that this missense variant does not alter protein structure/function; Has not been previously published as pathogenic or benign to our knowledge

NM_006662.3(SRCAP):c.640C>G (p.Gln214Glu)

Gene: SRCAP (Snf2 related CREBBP activator protein; plus strand). Cytogenetic location: 16p11.2.
Variant type: single nucleotide variant.
Coding change: c.640C>G on transcript NM_006662.3 (MANE Select); coding-DNA position 640, C replaced by G.
Protein change: p.Gln214Glu; replaces glutamine 214 with glutamic acid.
Molecular consequence: missense variant.
Genome position (GRCh38, 1-based): chr16:30,709,519, C>G. VCF-style: chr16-30709519-C-G. GRCh37 (hg19) VCF-style: chr16-30720840-C-G.
Other names: short protein forms Q214E.
Identifiers: ClinVar variation 1801106 (VCV001801106.1), dbSNP rs756520870, ClinGen allele CA8010727.